The following is an entry in ClinVar:

ClinVar aggregate classification (germline): Conflicting classifications of pathogenicity. Review status: criteria provided, conflicting classifications (1 of 4 stars). 2 submissions from 2 submitters: Uncertain significance (1); Likely benign (1). Last evaluated 2025-07-15.

Conditions:
Congenital contractural arachnodactyly (CCA). Also called: Arthrogryposis, distal, type 9; BEALS SYNDROME; Beals-Hecht syndrome. Identifiers: Orphanet 115, MedGen C0220668, MONDO:0007363, OMIM 121050.

Allele frequency attached by ClinVar (database versions not stated): 1000 Genomes Project 0.00040; 1000 Genomes Project 30x 0.00047.
gnomAD v4.1: 25 of 1,613,956 alleles (0.0015%); highest among the groups gnomAD compares: East Asian, 0.054%; no homozygotes.

Submissions (2):

Labcorp Genetics (formerly Invitae), Labcorp
Classification: Likely benign for Congenital contractural arachnodactyly. Last evaluated: 2025-07-15. Review status: criteria provided, single submitter. Criteria: Invitae Variant Classification Sherloc (09022015). Collection method: clinical testing. Allele origin: germline.

GeneDx
Classification: Uncertain significance. Last evaluated: 2020-10-16. Review status: criteria provided, single submitter. Criteria: GeneDx Variant Classification Process June 2021. Collection method: clinical testing. Allele origin: germline. Affected: yes.
Comment: Has not been previously published as pathogenic or benign to our knowledge; In silico analysis supports that this missense variant has a deleterious effect on protein structure/function; Does not affect a cysteine residue within a calcium-binding EGF-like domain of the FBN2 gene; cysteine substitutions in the calcium-binding EGF-like domains represent the majority of pathogenic missense changes associated with FBN2-related disorders (Collod-Beroud et al., 2003; Frederic et al., 2009).

NM_001999.4(FBN2):c.8520C>G (p.Asn2840Lys)

Gene: FBN2 (fibrillin 2; minus strand). Cytogenetic location: 5q23.3.
Variant type: single nucleotide variant.
Coding change: c.8520C>G on transcript NM_001999.4 (MANE Select); coding-DNA position 8520, C replaced by G.
Protein change: p.Asn2840Lys; replaces asparagine 2840 with lysine.
Molecular consequence: missense variant.
Genome position (GRCh38, 1-based): chr5:128,259,674, G>C on the plus strand (C>G on the coding strand, the complement: FBN2 is on the minus strand). VCF-style: chr5-128259674-G-C. GRCh37 (hg19) VCF-style: chr5-127595366-G-C.
Other names: short protein forms N2840K.
Identifiers: ClinVar variation 1191968 (VCV001191968.3), dbSNP rs139098335, ClinGen allele CA3393795.